The following is an entry in ClinVar:

ClinVar aggregate classification (germline): Uncertain significance (1 of 4 stars; one submission).

Conditions:
5-Oxoprolinase deficiency (OPLAHD). Also called: 5-OXOPROLINURIA DUE TO 5-OXOPROLINASE DEFICIENCY. Identifiers: Orphanet 33572, MedGen C0268525, MONDO:0009825, OMIM 260005, HP:0040142.

Submission:

Labcorp Genetics (formerly Invitae), Labcorp
Classification: Uncertain significance for 5-Oxoprolinase deficiency. Last evaluated: 2022-06-05. Review status: criteria provided, single submitter. Criteria: Invitae Variant Classification Sherloc (09022015). Collection method: clinical testing. Allele origin: germline.
Comment: In summary, the available evidence is currently insufficient to determine the role of this variant in disease. Therefore, it has been classified as a Variant of Uncertain Significance. Experimental studies and prediction algorithms are not available or were not evaluated, and the functional significance of this variant is currently unknown. ClinVar contains an entry for this variant (Variation ID: 1427790). This variant has not been reported in the literature in individuals affected with OPLAH-related conditions. This variant is present in population databases (no rsID available, gnomAD 0.005%). This sequence change replaces arginine, which is basic and polar, with glycine, which is neutral and non-polar, at codon 65 of the OPLAH protein (p.Arg65Gly).

NM_017570.5(OPLAH):c.193C>G (p.Arg65Gly)

Gene: OPLAH (5-oxoprolinase, ATP-hydrolysing; minus strand). Cytogenetic location: 8q24.3.
Variant type: single nucleotide variant.
Coding change: c.193C>G on transcript NM_017570.5 (MANE Select); coding-DNA position 193, C replaced by G.
Protein change: p.Arg65Gly; replaces arginine 65 with glycine.
Molecular consequence: missense variant.
Genome position (GRCh38, 1-based): chr8:144,059,769, G>C on the plus strand (C>G on the coding strand, the complement: OPLAH is on the minus strand). VCF-style: chr8-144059769-G-C. GRCh37 (hg19) VCF-style: chr8-145114672-G-C.
Other names: short protein forms R65G.
Identifiers: ClinVar variation 1427790 (VCV001427790.6), dbSNP rs782494513, ClinGen allele CA372575152.